The following is an entry in ClinVar:

NM_021044.4(DHH):c.303+133del

Genes: DHH (desert hedgehog signaling molecule; minus strand), DHH-AS1 (DHH antisense RNA 1; plus strand). Cytogenetic location: 12q13.12.
Variant type: Deletion.
Coding change: c.303+133del on transcript NM_021044.4 (MANE Select); 133 bases into the intron after coding-DNA position 303, one base deleted (A; older notation c.303+133delA).
Molecular consequence: intron variant.
Genome position (GRCh38, 1-based): chr12:49,094,077, T deleted on the plus strand (A on the coding strand, the reverse complement: DHH is on the minus strand). VCF-style (leftmost placement, unchanged base first): chr12-49094076-CT-C. GRCh37 (hg19) VCF-style: chr12-49487859-CT-C.
Identifiers: ClinVar variation 1707275 (VCV001707275.2), dbSNP rs541818055, ClinGen allele CA236657168.

ClinVar aggregate classification (germline): Likely benign (1 of 4 stars; one submission).

Allele frequency attached by ClinVar (database versions not stated): 1000 Genomes Project 0.01000; gnomAD exomes 0.00125; gnomAD 0.00847; TOPMed 0.00904.

Submission:

GeneDx
Classification: Likely benign. Last evaluated: 2021-05-11. Review status: criteria provided, single submitter. Criteria: GeneDx Variant Classification Process June 2021. Collection method: clinical testing. Allele origin: germline. Affected: yes.
Comment: See Variant Classification Assertion Criteria.